The following is an entry in ClinVar:

NM_001083619.3(GRIA2):c.2446G>A (p.Val816Ile)

Gene: GRIA2 (glutamate ionotropic receptor AMPA type subunit 2; plus strand). Cytogenetic location: 4q32.1.
Variant type: single nucleotide variant.
Coding change: c.2446G>A on transcript NM_001083619.3 (MANE Select); coding-DNA position 2446, G replaced by A.
Protein change: p.Val816Ile; replaces valine 816 with isoleucine.
Molecular consequence: missense variant.
Genome position (GRCh38, 1-based): chr4:157,362,838, G>A. VCF-style: chr4-157362838-G-A. GRCh37 (hg19) VCF-style: chr4-158283990-G-A.
Other names: c.2446G>A, p.Val816Ile (NM_000826.6); c.2305G>A, p.Val769Ile (NM_001083620.3, NM_001379000.3, NM_001379001.3); short protein forms V769I, V816I.
Identifiers: ClinVar variation 2500451 (VCV002500451.2), dbSNP rs2530865354, ClinGen allele CA358650987.

ClinVar aggregate classification (germline): Likely pathogenic (1 of 4 stars; one submission).

Submission:

GeneDx
Classification: Likely pathogenic. Last evaluated: 2026-05-29. Review status: criteria provided, single submitter. Criteria: GeneDx Variant Classification Process June 2021. Collection method: clinical testing. Allele origin: germline.
Comment: Not observed at significant frequency in large population cohorts (gnomAD); In silico analysis suggests that this missense variant does not alter protein structure/function; Has not been previously published as pathogenic or benign to our knowledge